The following is an entry in ClinVar:

NM_001372044.2(SHANK3):c.4634G>A (p.Arg1545Lys)

Gene: SHANK3 (SH3 and multiple ankyrin repeat domains 3; plus strand). Cytogenetic location: 22q13.33.
Variant type: single nucleotide variant.
Coding change: c.4634G>A on transcript NM_001372044.2 (MANE Select); coding-DNA position 4634, G replaced by A.
Protein change: p.Arg1545Lys; replaces arginine 1545 with lysine.
Molecular consequence: missense variant.
Genome position (GRCh38, 1-based): chr22:50,722,242, G>A. VCF-style: chr22-50722242-G-A. GRCh37 (hg19) VCF-style: chr22-51160670-G-A.
Other names: c.4409G>A (NM_033517.1); short protein forms R1545K.
Identifiers: ClinVar variation 1305662 (VCV001305662.2), dbSNP rs2146833546, ClinGen allele CA515264874.

ClinVar aggregate classification (germline): Uncertain significance (1 of 4 stars; one submission).

Submission:

GeneDx
Classification: Uncertain significance. Last evaluated: 2019-11-25. Review status: criteria provided, single submitter. Criteria: GeneDx Variant Classification Process June 2021. Collection method: clinical testing. Allele origin: germline. Affected: yes.
Comment: Not observed in large population cohorts (Lek et al., 2016); In silico analysis, which includes protein predictors and evolutionary conservation, supports that this variant does not alter protein structure/function; Has not been previously published as pathogenic or benign to our knowledge